The following is an entry in ClinVar:

NM_017654.4(SAMD9):c.3206C>T (p.Ala1069Val)

Gene: SAMD9 (sterile alpha motif domain containing 9; minus strand). Cytogenetic location: 7q21.2.
Variant type: single nucleotide variant.
Coding change: c.3206C>T on transcript NM_017654.4 (MANE Select); coding-DNA position 3206, C replaced by T.
Protein change: p.Ala1069Val; replaces alanine 1069 with valine.
Molecular consequence: missense variant.
Genome position (GRCh38, 1-based): chr7:93,102,892, G>A on the plus strand (C>T on the coding strand, the complement: SAMD9 is on the minus strand). VCF-style: chr7-93102892-G-A. GRCh37 (hg19) VCF-style: chr7-92732205-G-A.
Other names: c.3206C>T, p.Ala1069Val (NM_001193307.2); short protein forms A1069V.
Identifiers: ClinVar variation 3949704 (VCV003949704.1).
Genomic context (GRCh38, chr7:93,102,892, plus strand): 5'-GCCAACGCTTGGCAAATGAATGCATTTGGGTTGAACCGATGGATACTTTCAAGCAATACA[G>A]CTTCAACTGCTTCATTTCCTTCATCTTTATGTAATGCTTCAATAAATGGGGAAAACCAAT-3'
Protein context (NP_060124.2, residues 1059-1079): HKDEGNEAVE[Ala1069Val]VLLESIHRFN

ClinVar aggregate classification (germline): Uncertain significance (1 of 4 stars; one submission).

Conditions:
Inborn genetic diseases. Identifiers: MedGen C0950123, MeSH D030342.

Submission:

Ambry Genetics
Classification: Uncertain significance for Inborn genetic diseases. Last evaluated: 2025-06-06. Review status: criteria provided, single submitter. Criteria: Ambry Variant Classification Scheme 2023. Collection method: clinical testing. Allele origin: germline.
Comment: The p.A1069V variant (also known as c.3206C>T), located in coding exon 1 of the SAMD9 gene, results from a C to T substitution at nucleotide position 3206. The alanine at codon 1069 is replaced by valine, an amino acid with similar properties. This amino acid position is conserved. In addition, this alteration is predicted to be tolerated by in silico analysis. Based on the available evidence, the clinical significance of this variant remains unclear.